The following is an entry in ClinVar:

ClinVar aggregate classification (germline): Uncertain significance (1 of 4 stars; one submission).

Allele frequency attached by ClinVar (database versions not stated): gnomAD 0.00003; TOPMed 0.00003; ExAC 0.00005; gnomAD exomes 0.00005.
gnomAD v4.1: 69 of 1,611,244 alleles (0.0043%); highest among the groups gnomAD compares: Middle Eastern, 0.016%; no homozygotes.

Submission:

Labcorp Genetics (formerly Invitae), Labcorp
Classification: Uncertain significance. Last evaluated: 2024-02-24. Review status: criteria provided, single submitter. Criteria: Invitae Variant Classification Sherloc (09022015). Collection method: clinical testing. Allele origin: germline.
Comment: This sequence change replaces glycine, which is neutral and non-polar, with arginine, which is basic and polar, at codon 557 of the COL13A1 protein (p.Gly557Arg). This variant is present in population databases (rs777935417, gnomAD 0.009%). This variant has not been reported in the literature in individuals affected with COL13A1-related conditions. ClinVar contains an entry for this variant (Variation ID: 1491342). An algorithm developed to predict the effect of missense changes on protein structure and function (PolyPhen-2) suggests that this variant is likely to be disruptive. In summary, the available evidence is currently insufficient to determine the role of this variant in disease. Therefore, it has been classified as a Variant of Uncertain Significance.

NM_001368882.1(COL13A1):c.1702G>A (p.Gly568Arg)

Gene: COL13A1 (collagen type XIII alpha 1 chain; plus strand). Cytogenetic location: 10q22.1.
Variant type: single nucleotide variant.
Coding change: c.1702G>A on transcript NM_001368882.1 (MANE Select); coding-DNA position 1702, G replaced by A.
Protein change: p.Gly568Arg; replaces glycine 568 with arginine.
Molecular consequence: missense variant. On other transcripts: intron variant (11).
Genome position (GRCh38, 1-based): chr10:69,932,578, G>A. VCF-style: chr10-69932578-G-A. GRCh37 (hg19) VCF-style: chr10-71692334-G-A.
Other names: c.1669G>A, p.Gly557Arg (NM_001130103.2); c.1498G>A, p.Gly500Arg (NM_001368898.1); c.1612G>A, p.Gly538Arg (NM_080800.4); c.1603G>A, p.Gly535Arg (NM_080801.4); c.1620+2026G>A (NM_001320951.2, NM_001368884.1); c.1584+2026G>A (NM_080802.4, NM_001368885.1); c.1020+2026G>A (NM_001368886.1); c.1647+2026G>A (NM_001368883.1); and 4 more; short protein forms G500R, G538R, G557R, G535R, G568R.
Identifiers: ClinVar variation 1491342 (VCV001491342.6), dbSNP rs777935417, ClinGen allele CA5534881.